The following is an entry in ClinVar:

NM_080680.3(COL11A2):c.1968C>T (p.Thr656=)

Gene: COL11A2 (collagen type XI alpha 2 chain; minus strand). Cytogenetic location: 6p21.32.
Variant type: single nucleotide variant.
Coding change: c.1968C>T on transcript NM_080680.3 (MANE Select); coding-DNA position 1968, C replaced by T.
Protein change: p.Thr656=; no amino-acid change (threonine 656 retained).
Molecular consequence: synonymous variant.
Genome position (GRCh38, 1-based): chr6:33,177,415, G>A on the plus strand (C>T on the coding strand, the complement: COL11A2 is on the minus strand). VCF-style: chr6-33177415-G-A. GRCh37 (hg19) VCF-style: chr6-33145192-G-A.
Other names: c.1647C>T, p.Thr549= (NM_080679.3); c.1710C>T, p.Thr570= (NM_080681.3).
Identifiers: ClinVar variation 227263 (VCV000227263.9), dbSNP rs766534015, ClinGen allele CA3751114.
Genomic context (GRCh38, chr6:33,177,415, plus strand): 5'-TGTGGAAGCCCAAGGGAAGTCATGAAAATTGGGGAACGGAGTAGGGGCACCGCTCACCTG[G>A]GTCCCAGGGGTGCCCTGTTGTCCAGGAGGTCCTGGCTCTCCCTGGGGTCCCTAGAAACAG-3'
Protein context (NP_542411.2, residues 646-666): GPPGQQGTPG[Thr656=]QGLPGPQGAI

ClinVar aggregate classification (germline): Likely benign. Review status: criteria provided, multiple submitters, no conflicts (2 of 4 stars). 2 submissions from 2 submitters: Likely benign (2). Last evaluated 2025-06-08.

Allele frequency attached by ClinVar (database versions not stated): TOPMed 0.00001; gnomAD 0.00002; gnomAD exomes 0.00002; ExAC 0.00003.
gnomAD v4.1: 14 of 1,612,728 alleles (0.00087%); highest among the groups gnomAD compares: Admixed American, 0.0017%; no homozygotes.

Submissions (2):

Labcorp Genetics (formerly Invitae), Labcorp
Classification: Likely benign. Last evaluated: 2025-06-08. Review status: criteria provided, single submitter. Criteria: Invitae Variant Classification Sherloc (09022015). Collection method: clinical testing. Allele origin: germline.

Laboratory for Molecular Medicine, Mass General Brigham Personalized Medicine
Classification: Likely benign. Last evaluated: 2015-07-14. Review status: criteria provided, single submitter. Criteria: LMM Criteria. Collection method: clinical testing. Allele origin: germline. Observed: 1 variant allele.
Comment: p.Thr656Thr in exon 23 of COL11A2: This variant is not expected to have clinical significance because it does not alter an amino acid residue and is not located within the splice consensus sequence. It has been identified in 4/62702 Europea n chromosomes by the Exome Aggregation Consortium (ExAC).